The following is an entry in ClinVar:

NM_001267550.2(TTN):c.100390G>T (p.Glu33464Ter)

Genes: TTN (titin; minus strand), TTN-AS1 (TTN antisense RNA 1; plus strand). Cytogenetic location: 2q31.2.
Variant type: single nucleotide variant.
Coding change: c.100390G>T on transcript NM_001267550.2 (MANE Select); coding-DNA position 100390, G replaced by T.
Protein change: p.Glu33464Ter; replaces glutamic acid 33464 with a stop codon.
Molecular consequence: nonsense.
Genome position (GRCh38, 1-based): chr2:178,536,357, C>A on the plus strand (G>T on the coding strand, the complement: TTN is on the minus strand). VCF-style: chr2-178536357-C-A. GRCh37 (hg19) VCF-style: chr2-179401084-C-A.
Other names: c.95467G>T, p.Glu31823Ter (NM_001256850.1); c.73195G>T, p.Glu24399Ter (NM_003319.4); c.92686G>T, p.Glu30896Ter (NM_133378.4); c.73570G>T, p.Glu24524Ter (NM_133432.3); c.73771G>T, p.Glu24591Ter (NM_133437.4); short protein forms E24591*, E31823*, E33464*, E24399*, E30896*, E24524*.
Identifiers: ClinVar variation 654634 (VCV000654634.10), dbSNP rs374920916, ClinGen allele CA349426091.

ClinVar aggregate classification (germline): Likely pathogenic. Review status: criteria provided, multiple submitters, no conflicts (2 of 4 stars). 2 submissions from 2 submitters: Likely pathogenic (2). Last evaluated 2023-07-26.

Conditions:
TTN-related disorder. Also called: TTN-related disorders; TTN-related condition; TTN-related disease.
Dilated cardiomyopathy 1G (CMD1G). Identifiers: Orphanet 154, MedGen C1858763, MONDO:0011400, OMIM 604145.
Autosomal recessive limb-girdle muscular dystrophy type 2J (LGMDR10). Also called: Limb-girdle muscular dystrophy, type 2J; MUSCULAR DYSTROPHY, LIMB-GIRDLE, AUTOSOMAL RECESSIVE 10. Identifiers: Orphanet 140922, MedGen C1837342, MONDO:0012127, OMIM 608807.

gnomAD v4.1: 2 of 1,613,756 alleles (0.00012%); highest among the groups gnomAD compares: Non-Finnish European, 0.00017%; no homozygotes.

Submissions (2):

Labcorp Genetics (formerly Invitae), Labcorp
Classification: Likely pathogenic for Dilated cardiomyopathy 1G; Autosomal recessive limb-girdle muscular dystrophy type 2J. Last evaluated: 2023-07-26. Review status: criteria provided, single submitter. Criteria: Invitae Variant Classification Sherloc (09022015). Collection method: clinical testing. Allele origin: germline.
Comment: In summary, the currently available evidence indicates that the variant is pathogenic, but additional data are needed to prove that conclusively. Therefore, this variant has been classified as Likely Pathogenic. This variant is located in the A band of TTN (PMID: 25589632). Truncating variants in this region are significantly overrepresented in patients affected with dilated cardiomyopathy (PMID: 25589632). Truncating variants in this region have also been reported in individuals affected with autosomal recessive centronuclear myopathy (PMID: 23975875). Experimental studies and prediction algorithms are not available or were not evaluated, and the functional significance of this variant is currently unknown. ClinVar contains an entry for this variant (Variation ID: 654634). This premature translational stop signal has been observed in individual(s) with dilated cardiomyopathy (PMID: 31251381). This variant is not present in population databases (gnomAD no frequency). This sequence change creates a premature translational stop signal (p.Glu33464*) in the TTN gene. While this is not anticipated to result in nonsense mediated decay, it is expected to create a truncated TTN protein.

Blueprint Genetics
Classification: Likely pathogenic for TTN-related disorders. Last evaluated: 2022-05-25. Review status: criteria provided, single submitter. Criteria: ACMG Guidelines, 2015. Collection method: clinical testing. Allele origin: germline. Affected: yes. Observed: 1 variant allele.

Literature cited by the submitters: PubMed 25589632 (cited by Labcorp Genetics (formerly Invitae), Labcorp); PubMed 23975875 (cited by Labcorp Genetics (formerly Invitae), Labcorp); PubMed 31251381 (cited by Labcorp Genetics (formerly Invitae), Labcorp).